The following is an entry in ClinVar:

ClinVar aggregate classification (germline): Uncertain significance. Review status: criteria provided, multiple submitters, no conflicts (2 of 4 stars). 2 submissions from 2 submitters: Uncertain significance (2). Last evaluated 2024-12-16.

Conditions:
Cardiovascular phenotype. Identifiers: MedGen CN230736.

Allele frequency attached by ClinVar (database versions not stated): gnomAD exomes below 0.00001.
gnomAD v4.1: 1 of 1,609,560 alleles (0.000062%); highest among the groups gnomAD compares: African/African-American, 0.0013%; no homozygotes.

Submissions (2):

Ambry Genetics
Classification: Uncertain significance for Cardiovascular phenotype. Last evaluated: 2024-12-16. Review status: criteria provided, single submitter. Criteria: Ambry Variant Classification Scheme 2023. Collection method: clinical testing. Allele origin: germline.

Laboratory for Molecular Medicine, Mass General Brigham Personalized Medicine
Classification: Uncertain significance. Last evaluated: 2015-07-09. Review status: criteria provided, single submitter. Criteria: LMM Criteria. Collection method: clinical testing. Allele origin: germline. Observed: 2 variant alleles.
Comment: The p.Ala709Glu variant in TRDN has not been previously reported in individuals with cardiomyopathy or in large population studies. Computational prediction too ls and conservation analysis do not provide strong support for or against an imp act to the protein. In summary, the clinical significance of the p.Ala709Glu var iant is uncertain.

NM_006073.4(TRDN):c.2126C>A (p.Ala709Glu)

Gene: TRDN (triadin; minus strand). Cytogenetic location: 6q22.31.
Variant type: single nucleotide variant.
Coding change: c.2126C>A on transcript NM_006073.4 (MANE Select); coding-DNA position 2126, C replaced by A.
Protein change: p.Ala709Glu; replaces alanine 709 with glutamic acid.
Molecular consequence: missense variant.
Genome position (GRCh38, 1-based): chr6:123,218,665, G>T on the plus strand (C>A on the coding strand, the complement: TRDN is on the minus strand). VCF-style: chr6-123218665-G-T. GRCh37 (hg19) VCF-style: chr6-123539810-G-T.
Other names: c.2126C>A (NM_006073.2); short protein forms A709E.
Identifiers: ClinVar variation 229342 (VCV000229342.6), dbSNP rs876658032, ClinGen allele CA10576679.
Genomic context (GRCh38, chr6:123,218,665, plus strand): 5'-TGTCCTTGTTGCTTCTGTCCTGGAGAATTTGCTTGACCAGAGCTCTCTCCAGGGCGGTCT[G>T]CAGGAGTGAAAGGAAACTGAAATCCATAGCCATTGTACCCATCCAAGTAGACACACTGGA-3'
Protein context (NP_006064.2, residues 699-719): GYGFQFPFTP[Ala709Glu]DRPGESSGQA